The following is an entry in ClinVar:

NM_000393.5(COL5A2):c.*423C>T

Gene: COL5A2 (collagen type V alpha 2 chain; minus strand). Cytogenetic location: 2q32.2.
Variant type: single nucleotide variant.
Coding change: c.*423C>T on transcript NM_000393.5 (MANE Select); 423 bases downstream of the stop codon, C replaced by T.
Molecular consequence: 3 prime UTR variant.
Genome position (GRCh38, 1-based): chr2:189,033,647, G>A on the plus strand (C>T on the coding strand, the complement: COL5A2 is on the minus strand). VCF-style: chr2-189033647-G-A. GRCh37 (hg19) VCF-style: chr2-189898373-G-A.
Identifiers: ClinVar variation 333122 (VCV000333122.6), dbSNP rs77413180, ClinGen allele CA10612199.

ClinVar aggregate classification (germline): Benign (1 of 4 stars; one submission).

Conditions:
Ehlers-Danlos syndrome, classic type, 2 (EDSCL2). Also called: Ehlers-Danlos syndrome, type 2; Ehlers-Danlos syndrome type 2 (formerly); Ehlers-Danlos Syndrome, Classic Type, COL5A2-Related. Identifiers: Orphanet 287, Orphanet 90318, MedGen C0268336, MONDO:0019568, OMIM 130010.

Allele frequency attached by ClinVar (database versions not stated): 1000 Genomes Project 0.01158; gnomAD 0.01256 and 0.01358; TOPMed 0.01404; gnomAD exomes 0.00143; 1000 Genomes Project 30x 0.01218.
gnomAD v4.1: 1,949 of 189,676 alleles (1%); highest among the groups gnomAD compares: African/African-American, 4.2%; 51 homozygotes.

Submission:

Illumina Laboratory Services, Illumina
Classification: Benign for Ehlers-Danlos syndrome, classic type, 2. Last evaluated: 2018-01-13. Review status: criteria provided, single submitter. Criteria: ICSL Variant Classification Criteria 13 December 2019. Collection method: clinical testing. Allele origin: germline.
Comment: This variant was observed in the ICSL laboratory as part of a predisposition screen in an ostensibly healthy population. It had not been previously curated by ICSL or reported in the Human Gene Mutation Database (HGMD: prior to June 1st, 2018), and was therefore a candidate for classification through an automated scoring system. Utilizing variant allele frequency, disease prevalence and penetrance estimates, and inheritance mode, an automated score was calculated to assess if this variant is too frequent to cause the disease. Based on the score and internal cut-off values, a variant classified as benign is not then subjected to further curation. The score for this variant resulted in a classification of benign for this disease.